The following is an entry in ClinVar:

NM_000038.6(APC):c.1615G>T (p.Asp539Tyr)

Gene: APC (APC regulator of Wnt signaling pathway; plus strand). Cytogenetic location: 5q22.2.
Variant type: single nucleotide variant.
Coding change: c.1615G>T on transcript NM_000038.6 (MANE Select); coding-DNA position 1615, G replaced by T.
Protein change: p.Asp539Tyr; replaces aspartic acid 539 with tyrosine.
Molecular consequence: missense variant.
Genome position (GRCh38, 1-based): chr5:112,827,995, G>T. VCF-style: chr5-112827995-G-T. GRCh37 (hg19) VCF-style: chr5-112163692-G-T.
Other names: c.1615G>T, p.Asp539Tyr (NM_001127510.3, NM_001354895.2, NM_001407450.1); c.1561G>T, p.Asp521Tyr (NM_001127511.3); c.1669G>T, p.Asp557Tyr (NM_001354896.2, NM_001407447.1, NM_001407448.1 and 1 more transcripts); c.1645G>T, p.Asp549Tyr (NM_001354897.2); c.1540G>T, p.Asp514Tyr (NM_001354898.2); c.1531G>T, p.Asp511Tyr (NM_001354899.2); c.1492G>T, p.Asp498Tyr (NM_001354900.2); c.1438G>T, p.Asp480Tyr (NM_001354901.2, NM_001407453.1); and 11 more; short protein forms D379Y, D413Y, D456Y, D498Y, D529Y, D549Y, D567Y, D438Y.
Identifiers: ClinVar variation 1776481 (VCV001776481.2), dbSNP rs2149813985, ClinGen allele CA16024834.

ClinVar aggregate classification (germline): Uncertain significance (1 of 4 stars; one submission).

Conditions:
Hereditary cancer-predisposing syndrome. Also called: Neoplastic Syndromes, Hereditary; Tumor predisposition; Hereditary Cancer Syndrome; Hereditary neoplastic syndrome. Identifiers: Orphanet 140162, MedGen C0027672, MeSH D009386, MONDO:0015356.

Submission:

Ambry Genetics
Classification: Uncertain significance for Hereditary cancer-predisposing syndrome. Last evaluated: 2022-09-27. Review status: criteria provided, single submitter. Criteria: Ambry Variant Classification Scheme 2023. Collection method: clinical testing. Allele origin: germline.
Comment: The p.D539Y variant (also known as c.1615G>T), located in coding exon 12 of the APC gene, results from a G to T substitution at nucleotide position 1615. The aspartic acid at codon 539 is replaced by tyrosine, an amino acid with highly dissimilar properties. This amino acid position is conserved. In addition, in silico predictors for this gene do not accurately predict pathogenicity. Since supporting evidence is limited at this time, the clinical significance of this alteration remains unclear.